The following is an entry in ClinVar:

ClinVar aggregate classification (germline): Uncertain significance (1 of 4 stars; one submission).

Submission:

CeGaT Center for Human Genetics Tuebingen
Classification: Uncertain significance. Last evaluated: 2026-05-01. Review status: criteria provided, single submitter. Criteria: CeGaT Center For Human Genetics Tuebingen Variant Classification Criteria Version 2. Collection method: clinical testing. Allele origin: germline. Affected: yes. Observed: 1 variant allele.
Comment: MYH7: PM2, PM5, PM1:Supporting

NM_000257.4(MYH7):c.2781G>T (p.Glu927Asp)

Gene: MYH7 (myosin heavy chain 7; minus strand). Cytogenetic location: 14q11.2.
Variant type: single nucleotide variant.
Coding change: c.2781G>T on transcript NM_000257.4 (MANE Select); coding-DNA position 2781, G replaced by T.
Protein change: p.Glu927Asp; replaces glutamic acid 927 with aspartic acid.
Molecular consequence: missense variant.
Genome position (GRCh38, 1-based): chr14:23,424,048, C>A on the plus strand (G>T on the coding strand, the complement: MYH7 is on the minus strand). VCF-style: chr14-23424048-C-A. GRCh37 (hg19) VCF-style: chr14-23893257-C-A.
Other names: c.2781G>T, p.Glu927Asp (NM_001407004.1); short protein forms E927D.
Identifiers: ClinVar variation 4874986 (VCV004874986.2).